The following is an entry in ClinVar:

ClinVar aggregate classification (germline): Likely pathogenic (1 of 4 stars; one submission).

Conditions:
Retinitis pigmentosa 93. Identifiers: MedGen C5676970, MONDO:0030797, OMIM 619845.
COACH syndrome 2. Identifiers: MedGen C5436837, MONDO:0030859, OMIM 619111.
Joubert syndrome 9 (JBTS9). Identifiers: Orphanet 2318, MedGen C2676788, MONDO:0012849, OMIM 612285.
Meckel syndrome, type 6. Identifiers: Orphanet 564, MedGen C2676790, MONDO:0012848, OMIM 612284.

Submission:

Juno Genomics, Hangzhou Juno Genomics, Inc
Classification: Likely pathogenic for COACH syndrome 2; Joubert syndrome 9; Meckel syndrome, type 6; Retinitis pigmentosa 93. Review status: criteria provided, single submitter. Criteria: ACMG Guidelines, 2015. Collection method: clinical testing. Allele origin: germline.
Comment: Null variant in a gene where loss of function (LOF) is a known mechanism of disease.;Absent from controls (or at extremely low frequency if recessive) in Genome Aggregation Database.

NM_001378615.1(CC2D2A):c.3492del (p.Glu1165fs)

Genes: CC2D2A (coiled-coil and C2 domain containing 2A; plus strand), FBXL5 (F-box and leucine rich repeat protein 5; minus strand). Cytogenetic location: 4p15.32.
Variant type: Deletion.
Coding change: c.3492del on transcript NM_001378615.1 (MANE Select); coding-DNA position 3492, one base deleted (A; older notation c.3492delA).
Protein change: p.Glu1165fs; shifts the reading frame from glutamic acid 1165.
Molecular consequence: frameshift variant.
Genome position (GRCh38, 1-based): chr4:15,569,386, A deleted. VCF-style (leftmost placement, unchanged base first): chr4-15569385-TA-T. GRCh37 (hg19) VCF-style: chr4-15571008-TA-T.
Other names: c.3492del, p.Glu1165fs (NM_001080522.2); c.3345del, p.Glu1116fs (NM_001378617.1); short protein forms E1165fs, E1116fs.
Identifiers: ClinVar variation 5006742 (VCV005006742.2).